The following is an entry in ClinVar:

NM_000179.3(MSH6):c.4067_4071inv (p.Leu1356_Ile1357delinsTer)

Gene: MSH6 (mutS homolog 6; plus strand). Cytogenetic location: 2p16.3.
Variant type: Inversion.
Coding change: c.4067_4071inv on transcript NM_000179.3 (MANE Select).
Protein change: p.Leu1356_Ile1357delinsTer.
Molecular consequence: nonsense.
Genome position: GRCh38 VCF-style: chr2-47806844-TGATT-AATCA. GRCh37 (hg19) VCF-style: chr2-48033983-TGATT-AATCA.
Other names: c.3677_3681inv, p.Leu1226_Ile1227delinsTer (NM_001281492.2); c.3161_3165inv, p.Leu1054_Ile1055delinsTer (NM_001281493.2, NM_001281494.2); c.4067_4071delTGATTinsAATCA (NM_000179.2).
Identifiers: ClinVar variation 418691 (VCV000418691.7), ClinGen allele CA16617727.

ClinVar aggregate classification (germline): Uncertain significance. Review status: criteria provided, multiple submitters, no conflicts (2 of 4 stars). 2 submissions from 2 submitters: Uncertain significance (2). Last evaluated 2025-08-12.

Conditions:
Hereditary cancer-predisposing syndrome. Also called: Hereditary neoplastic syndrome; Tumor predisposition; Neoplastic Syndromes, Hereditary; Hereditary Cancer Syndrome. Identifiers: Orphanet 140162, MedGen C0027672, MeSH D009386, MONDO:0015356.

Submissions (2):

Ambry Genetics
Classification: Uncertain significance for Hereditary cancer-predisposing syndrome. Last evaluated: 2025-08-12. Review status: criteria provided, single submitter. Criteria: Ambry Variant Classification Scheme 2023. Collection method: clinical testing. Allele origin: germline.
Comment: The c.4067_4071delTGATTinsAATCA variant (also known as p.L1356* and c.4067_4071inv) located in coding exon 10 of the MSH6 gene, results from an in-frame deletion of TGATT and insertion of AATCA at nucleotide positions 4067 to 4071. This changes the amino acid from a leucine at position 1356 to a stop codon. This nucleotide region is well conserved in available vertebrate species. Premature stop codons are typically deleterious in nature, however, this stop codon occurs at the 3' terminus of MSH6, is not expected to trigger nonsense-mediated mRNA decay, and removes only the last five amino acids of the protein. The exact functional impact of these removed amino acids is unknown at this time. Since supporting evidence is limited at this time, the clinical significance of this alteration remains unclear.

GeneDx
Classification: Uncertain significance. Last evaluated: 2015-03-10. Review status: criteria provided, single submitter. Criteria: GeneDx Variant Classification (06012015). Collection method: clinical testing. Allele origin: germline. Affected: yes.
Comment: This variant is denoted MSH6 c.4067_4071delTGATTinsAATCA at the cDNA level and p.Leu1356Ter (L1356X) at the protein level. The normal sequence, with the bases that are deleted and inserted in brackets, is ACTT[delTGATT][insAATCA]AAGG. This in frame deletion and insertion creates a nonsense variant, which changes a Leucine to a premature stop in the last exon of the protein, exon 10, resulting in the loss of the last five amino acids of the protein are lost, the clinical significance of which is unclear. The lost region is conserved among mammals and is not within a known functional domain (UniProt). This variant was not observed in approximately 6,500 individuals of European and African American ancestry in the NHLBI Exome Sequencing Project, indicating it is not a common benign variant in these populations. While other variants also resulting in truncation of the MSH6 protein have been reported in the lost region, none, to our knowledge, have been proven to have pathogenic effect (Johnston 2012, Martinez 2010, Wasielewski 2010). Based on the currently available information, we consider MSH6 Leu1356Ter to be a variant of uncertain significance.